The following is an entry in ClinVar:

NM_006445.4(PRPF8):c.724G>A (p.Ala242Thr)

Gene: PRPF8 (pre-mRNA processing factor 8; minus strand). Cytogenetic location: 17p13.3.
Variant type: single nucleotide variant.
Coding change: c.724G>A on transcript NM_006445.4 (MANE Select); coding-DNA position 724, G replaced by A.
Protein change: p.Ala242Thr; replaces alanine 242 with threonine.
Molecular consequence: missense variant.
Genome position (GRCh38, 1-based): chr17:1,681,620, C>T on the plus strand (G>A on the coding strand, the complement: PRPF8 is on the minus strand). VCF-style: chr17-1681620-C-T. GRCh37 (hg19) VCF-style: chr17-1584914-C-T.
Other names: short protein forms A242T.
Identifiers: ClinVar variation 4531035 (VCV004531035.1).

ClinVar aggregate classification (germline): Uncertain significance (1 of 4 stars; one submission).

Submission:

GeneDx
Classification: Uncertain significance. Last evaluated: 2025-05-17. Review status: criteria provided, single submitter. Criteria: GeneDx Variant Classification Process June 2021. Collection method: clinical testing. Allele origin: germline. Affected: yes.
Comment: Not observed at significant frequency in large population cohorts (gnomAD); In silico analysis suggests that this missense variant does not alter protein structure/function; Has not been previously published as pathogenic or benign to our knowledge